The following is an entry in ClinVar:

ClinVar aggregate classification (germline): Uncertain significance (1 of 4 stars; one submission).

Conditions:
Neuromuscular disease caused by qualitative or quantitative defects of dysferlin. Also called: Qualitative or quantitative defects of dysferlin; Dysferlinopathy. Identifiers: Orphanet 207073, MedGen C2931687, MONDO:0016145.

gnomAD v4.1: 3 of 1,614,254 alleles (0.00019%); highest among the groups gnomAD compares: Admixed American, 0.0033%; no homozygotes.

Submission:

Labcorp Genetics (formerly Invitae), Labcorp
Classification: Uncertain significance for Neuromuscular disease caused by qualitative or quantitative defects of dysferlin. Last evaluated: 2021-08-27. Review status: criteria provided, single submitter. Criteria: Invitae Variant Classification Sherloc (09022015). Collection method: clinical testing. Allele origin: germline.
Comment: This sequence change falls in intron 11 of the DYSF gene. It does not directly change the encoded amino acid sequence of the DYSF protein. This variant is not present in population databases (ExAC no frequency). This variant has not been reported in the literature in individuals affected with DYSF-related conditions. Algorithms developed to predict the effect of sequence changes on RNA splicing suggest that this variant may disrupt the consensus splice site. In summary, the available evidence is currently insufficient to determine the role of this variant in disease. Therefore, it has been classified as a Variant of Uncertain Significance.

NM_001130987.2(DYSF):c.1150-5T>G

Gene: DYSF (dysferlin; plus strand). Cytogenetic location: 2p13.2.
Variant type: single nucleotide variant.
Coding change: c.1150-5T>G on transcript NM_001130987.2 (MANE Select); 5 bases into the intron before coding-DNA position 1150, T replaced by G.
Molecular consequence: intron variant.
Genome position (GRCh38, 1-based): chr2:71,526,215, T>G. VCF-style: chr2-71526215-T-G. GRCh37 (hg19) VCF-style: chr2-71753345-T-G.
Other names: c.1147-5T>G (NM_001130979.2, NM_001130981.2, NM_001130980.2); c.1054-5T>G (NM_001130978.2, NM_003494.4, NM_001130977.2 and 1 more transcripts); c.1150-5T>G (NM_001130982.2, NM_001130985.2); c.1057-5T>G (NM_001130983.2, NM_001130455.2, NM_001130984.2 and 1 more transcripts).
Identifiers: ClinVar variation 2104735 (VCV002104735.1), dbSNP rs1164462056, ClinGen allele CA533256214.
Genomic context (GRCh38, chr2:71,526,215, plus strand): 5'-GAAAAGGAAAGTAAAACCCTGTGCTCAGGAGCGCATGAAGGAATCGTATTTGGTTTTCTT[T>G]GTAGCTGGAGAGAAAAGACCCCTCTGAAGACAAGGAGGACATTGAAAGCAACCTGCTCCG-3'